The following is an entry in ClinVar:

ClinVar aggregate classification (germline): Uncertain significance (1 of 4 stars; one submission).

Allele frequency attached by ClinVar (database versions not stated): TOPMed 0.00001.

Submission:

Labcorp Genetics (formerly Invitae), Labcorp
Classification: Uncertain significance. Last evaluated: 2022-11-15. Review status: criteria provided, single submitter. Criteria: Invitae Variant Classification Sherloc (09022015). Collection method: clinical testing. Allele origin: germline.
Comment: In summary, the available evidence is currently insufficient to determine the role of this variant in disease. Therefore, it has been classified as a Variant of Uncertain Significance. This variant has not been reported in the literature in individuals affected with COL4A1-related conditions. Variants that disrupt the consensus splice site are a relatively common cause of aberrant splicing (PMID: 17576681, 9536098). Algorithms developed to predict the effect of sequence changes on RNA splicing suggest that this variant is not likely to affect RNA splicing. This variant is not present in population databases (gnomAD no frequency). This sequence change falls in intron 26 of the COL4A1 gene. It does not directly change the encoded amino acid sequence of the COL4A1 protein. It affects a nucleotide within the consensus splice site.

Literature cited by the submitters: PubMed 17576681; PubMed 9536098.

NM_001845.6(COL4A1):c.1897+6G>A

Gene: COL4A1 (collagen type IV alpha 1 chain; minus strand). Cytogenetic location: 13q34.
Variant type: single nucleotide variant.
Coding change: c.1897+6G>A on transcript NM_001845.6 (MANE Select); 6 bases into the intron after coding-DNA position 1897, G replaced by A.
Molecular consequence: intron variant.
Genome position (GRCh38, 1-based): chr13:110,186,379, C>T on the plus strand (G>A on the coding strand, the complement: COL4A1 is on the minus strand). VCF-style: chr13-110186379-C-T. GRCh37 (hg19) VCF-style: chr13-110838726-C-T.
Identifiers: ClinVar variation 2042456 (VCV002042456.4), dbSNP rs1252464472, ClinGen allele CA695002304.